The following is an entry in ClinVar:

NM_000038.6(APC):c.4237A>G (p.Met1413Val)

Gene: APC (APC regulator of Wnt signaling pathway; plus strand). Cytogenetic location: 5q22.2.
Variant type: single nucleotide variant.
Coding change: c.4237A>G on transcript NM_000038.6 (MANE Select); coding-DNA position 4237, A replaced by G.
Protein change: p.Met1413Val; replaces methionine 1413 with valine.
Molecular consequence: missense variant.
Genome position (GRCh38, 1-based): chr5:112,839,831, A>G. VCF-style: chr5-112839831-A-G. GRCh37 (hg19) VCF-style: chr5-112175528-A-G.
Other names: p.M1413V:ATG>GTG; c.4237A>G, p.Met1413Val (NM_001127510.3, NM_001354895.2); c.4183A>G, p.Met1395Val (NM_001127511.3); c.4291A>G, p.Met1431Val (NM_001354896.2); c.4267A>G, p.Met1423Val (NM_001354897.2); c.4162A>G, p.Met1388Val (NM_001354898.2); c.4153A>G, p.Met1385Val (NM_001354899.2); c.4114A>G, p.Met1372Val (NM_001354900.2); and 6 more; short protein forms M1395V, M1413V, M1130V, M1312V, M1322V, M1431V, M1385V, M1423V.
Identifiers: ClinVar variation 133510 (VCV000133510.42), dbSNP rs141519952, ClinGen allele CA009368.

ClinVar aggregate classification (germline): Conflicting classifications of pathogenicity. Review status: criteria provided, conflicting classifications (1 of 4 stars). 19 submissions from 19 submitters: Uncertain significance (2); Benign (4); Likely benign (8). 5 of the submissions do not count toward it. Last evaluated 2026-08-01.

Conditions:
APC-related disorder. Also called: APC-related condition.
Hereditary cancer-predisposing syndrome. Also called: Neoplastic Syndromes, Hereditary; Tumor predisposition; Hereditary neoplastic syndrome; Hereditary Cancer Syndrome. Identifiers: Orphanet 140162, MedGen C0027672, MeSH D009386, MONDO:0015356.
Colorectal adenoma. Identifiers: MedGen C1302401, MONDO:0005484.
Familial adenomatous polyposis 1 (FAP1). Also called: POLYPOSIS, ADENOMATOUS INTESTINAL; FAMILIAL ADENOMATOUS POLYPOSIS 1, ATTENUATED. Identifiers: MedGen C2713442, MONDO:0021056, OMIM 175100. Disease mechanism: loss of function.
Desmoid disease, hereditary (DESMD). Also called: FIBROMATOSIS, FAMILIAL INFILTRATIVE. Identifiers: Orphanet 873, MedGen C1851124, OMIM 135290. Disease mechanism: loss of function.

Allele frequency attached by ClinVar (database versions not stated): TOPMed 0.00017; gnomAD 0.00018 and 0.00019; ExAC 0.00019; gnomAD exomes 0.00021 and 0.00022; ESP Exome Variant Server 0.00031; 1000 Genomes Project 0.00040; 1000 Genomes Project 30x 0.00047.

Submissions (19):

CeGaT Center for Human Genetics Tuebingen
Classification: Likely benign. Last evaluated: 2026-08-01. Review status: criteria provided, single submitter. Criteria: CeGaT Center For Human Genetics Tuebingen Variant Classification Criteria Version 2. Collection method: clinical testing. Allele origin: germline. Affected: yes. Observed: 1 variant allele.
Comment: APC: BP1, BS1

Labcorp Genetics (formerly Invitae), Labcorp
Classification: Benign for Familial adenomatous polyposis 1. Last evaluated: 2026-02-03. Review status: criteria provided, single submitter. Criteria: Invitae Variant Classification Sherloc (09022015). Collection method: clinical testing. Allele origin: germline.

Center for Genomic Medicine, Rigshospitalet, Copenhagen University Hospital
Classification: Likely benign. Last evaluated: 2025-03-04. Review status: criteria provided, single submitter. Criteria: ACMG Guidelines, 2015. Collection method: clinical testing. Allele origin: germline.

Mayo Clinic Laboratories, Mayo Clinic
Classification: Likely benign. Last evaluated: 2025-02-21. Review status: criteria provided, single submitter. Criteria: ACMG Guidelines, 2015. Collection method: clinical testing. Allele origin: germline. Observed: 2 variant alleles.
Comment: BS1, BP1, BP2

Color Diagnostics, LLC DBA Color Health
Classification: Benign for Hereditary cancer-predisposing syndrome. Last evaluated: 2024-09-19. Review status: criteria provided, single submitter. Criteria: ACMG Guidelines, 2015. Collection method: clinical testing. Allele origin: germline.

Institute for Biomarker Research, Medical Diagnostic Laboratories, L.L.C.
Classification: Uncertain significance for Hereditary cancer-predisposing syndrome. Last evaluated: 2023-09-26. Review status: criteria provided, single submitter. Criteria: ACMG Guidelines, 2015. Collection method: clinical testing. Allele origin: germline.

Sema4
Classification: Likely benign for Hereditary cancer-predisposing syndrome. Last evaluated: 2021-07-27. Review status: criteria provided, single submitter. Criteria: Sema4 Curation Guidelines. Collection method: curation. Allele origin: germline.

GeneDx
Classification: Likely benign. Last evaluated: 2020-10-14. Review status: criteria provided, single submitter. Criteria: GeneDx Variant Classification Process June 2021. Collection method: clinical testing. Allele origin: germline. Affected: yes.
Comment: This variant is associated with the following publications: (PMID: 24728327, 20233475, 25637381, 21859464, 18199528, 26416840, 27153395, 26332594, 23085758)

Department of Pathology and Laboratory Medicine, Sinai Health System
Classification: Likely benign for Desmoid disease, hereditary. Last evaluated: 2019-12-02. Review status: criteria provided, single submitter. Criteria: ACMG Guidelines, 2015. Collection method: clinical testing. Allele origin: germline. Affected: yes.

Quest Diagnostics Nichols Institute San Juan Capistrano
Classification: Likely benign. Last evaluated: 2019-07-16. Review status: criteria provided, single submitter. Criteria: Quest Diagnostics criteria. Collection method: clinical testing. Allele origin: unknown.

Mendelics
Classification: Likely benign for Familial adenomatous polyposis 1. Last evaluated: 2018-07-02. Review status: criteria provided, single submitter. Criteria: Mendelics Assertion Criteria 2017. Collection method: clinical testing. Allele origin: unknown.

Laboratory for Molecular Medicine, Mass General Brigham Personalized Medicine
Classification: Uncertain significance. Last evaluated: 2017-01-24. Review status: criteria provided, single submitter. Criteria: LMM Criteria. Collection method: clinical testing. Allele origin: germline.
Comment: Variant identified in a genome or exome case(s) and assessed due to predicted null impact of the variant or pathogenic assertions in the literature or databases. Disclaimer: This variant has not undergone full assessment. The following are preliminary notes: Classified within the last year. Didn't undergo full assessment. Seen in 7 papers, including in unaffected individuals and homozygous in one patient. MaxMAF .132% (but only 758 chrs). AA not conserved - Val seen in hamster.

Women's Health and Genetics/Laboratory Corporation of America, LabCorp
Classification: Benign. Last evaluated: 2016-02-01. Review status: criteria provided, single submitter. Criteria: LabCorp Variant Classification Summary - May 2015. Collection method: clinical testing. Allele origin: germline.

Ambry Genetics
Classification: Benign for Hereditary cancer-predisposing syndrome. Last evaluated: 2014-12-09. Review status: criteria provided, single submitter. Criteria: Ambry Variant Classification Scheme 2023. Collection method: clinical testing. Allele origin: germline.

PreventionGenetics, part of Exact Sciences
Classification: Likely benign for APC-related condition. Last evaluated: 2019-03-24. Review status: no assertion criteria provided. Collection method: clinical testing. Allele origin: germline. Not counted in ClinVar's aggregate classification.
Comment: This variant is classified as likely benign based on ACMG/AMP sequence variant interpretation guidelines (Richards et al. 2015 PMID: 25741868, with internal and published modifications).

CSER _CC_NCGL, University of Washington
Classification: Likely benign for Colorectal adenoma. Last evaluated: 2014-06-01. Review status: no assertion criteria provided. Collection method: research. Allele origin: germline. Inheritance: Autosomal dominant inheritance. Study: ESP 6500 variant annotation. Not counted in ClinVar's aggregate classification.
Comment: Variants classified for the Actionable exomic incidental findings in 6503 participants: challenges of variant classification manuscript

ITMI
No classification provided. Condition: AllHighlyPenetrant. Last evaluated: 2013-09-19. Review status: no classification provided. Collection method: reference population. Allele origin: germline. Not counted in ClinVar's aggregate classification.
Comment: Please see associated publication for description of ethnicities

Clinical Genetics DNA and cytogenetics Diagnostics Lab, Erasmus MC, Erasmus Medical Center
Classification: Likely benign. Review status: no assertion criteria provided. Collection method: clinical testing. Allele origin: germline. Affected: yes. Study: VKGL Data-share Consensus. Not counted in ClinVar's aggregate classification.

Joint Genome Diagnostic Labs from Nijmegen and Maastricht, Radboudumc and MUMC+
Classification: Likely benign. Review status: no assertion criteria provided. Collection method: clinical testing. Allele origin: germline. Affected: yes. Study: VKGL Data-share Consensus. Not counted in ClinVar's aggregate classification.

Literature cited by the submitters: PubMed 18199528 (cited by 4 submitters); PubMed 26416840 (cited by 3 submitters); PubMed 20233475 (cited by Department of Pathology and Laboratory Medicine, Sinai Health System and Women's Health and Genetics/Laboratory Corporation of America, LabCorp); PubMed 25479140 (cited by Department of Pathology and Laboratory Medicine, Sinai Health System and Women's Health and Genetics/Laboratory Corporation of America, LabCorp); PubMed 24728327 (cited by 3 submitters); PubMed 25637381 (cited by Quest Diagnostics Nichols Institute San Juan Capistrano); PubMed 27153395 (cited by Quest Diagnostics Nichols Institute San Juan Capistrano); PubMed 21859464 (cited by Quest Diagnostics Nichols Institute San Juan Capistrano and Women's Health and Genetics/Laboratory Corporation of America, LabCorp); PubMed 26332594 (cited by Quest Diagnostics Nichols Institute San Juan Capistrano); PubMed 23085758 (cited by Women's Health and Genetics/Laboratory Corporation of America, LabCorp).